The following is an entry in ClinVar:

NM_004360.5(CDH1):c.410C>G (p.Ala137Gly)

Gene: CDH1 (cadherin 1; plus strand). Cytogenetic location: 16q22.1.
Variant type: single nucleotide variant.
Coding change: c.410C>G on transcript NM_004360.5 (MANE Select); coding-DNA position 410, C replaced by G.
Protein change: p.Ala137Gly; replaces alanine 137 with glycine.
Molecular consequence: missense variant. On other transcripts: 5 prime UTR variant (2).
Genome position (GRCh38, 1-based): chr16:68,808,446, C>G. VCF-style: chr16-68808446-C-G. GRCh37 (hg19) VCF-style: chr16-68842349-C-G.
Other names: c.410C>G, p.Ala137Gly (NM_001317184.2); c.-1206C>G (NM_001317185.2); c.-1410C>G (NM_001317186.2); short protein forms A137G.
Identifiers: ClinVar variation 2587432 (VCV002587432.2), dbSNP rs2152129622, ClinGen allele CA396457561.

ClinVar aggregate classification (germline): Uncertain significance (1 of 4 stars; one submission).

Conditions:
Hereditary cancer-predisposing syndrome. Also called: Tumor predisposition; Hereditary Cancer Syndrome; Hereditary neoplastic syndrome; Neoplastic Syndromes, Hereditary. Identifiers: Orphanet 140162, MedGen C0027672, MeSH D009386, MONDO:0015356.

Submission:

Ambry Genetics
Classification: Uncertain significance for Hereditary cancer-predisposing syndrome. Last evaluated: 2023-07-12. Review status: criteria provided, single submitter. Criteria: Ambry Variant Classification Scheme 2023. Collection method: clinical testing. Allele origin: germline.
Comment: The p.A137G variant (also known as c.410C>G), located in coding exon 4 of the CDH1 gene, results from a C to G substitution at nucleotide position 410. The alanine at codon 137 is replaced by glycine, an amino acid with similar properties. This amino acid position is conserved. In addition, this alteration is predicted to be tolerated by in silico analysis. Since supporting evidence is limited at this time, the clinical significance of this alteration remains unclear.